The following is an entry in ClinVar:

NM_033305.3(VPS13A):c.5450C>G (p.Ser1817Ter)

Gene: VPS13A (vacuolar protein sorting 13 homolog A; plus strand). Cytogenetic location: 9q21.2.
Variant type: single nucleotide variant.
Coding change: c.5450C>G on transcript NM_033305.3 (MANE Select); coding-DNA position 5450, C replaced by G.
Protein change: p.Ser1817Ter; replaces serine 1817 with a stop codon.
Molecular consequence: nonsense.
Genome position (GRCh38, 1-based): chr9:77,321,203, C>G. VCF-style: chr9-77321203-C-G. GRCh37 (hg19) VCF-style: chr9-79936119-C-G.
Other names: c.5333C>G, p.Ser1778Ter (NM_001018037.2); c.5450C>G, p.Ser1817Ter (NM_001018038.3, NM_015186.4); short protein forms S1817*, S1778*.
Identifiers: ClinVar variation 4731734 (VCV004731734.1).

ClinVar aggregate classification (germline): Pathogenic (1 of 4 stars; one submission).

Submission:

Labcorp Genetics (formerly Invitae), Labcorp
Classification: Pathogenic. Last evaluated: 2025-11-23. Review status: criteria provided, single submitter. Criteria: Invitae Variant Classification Sherloc (09022015). Collection method: clinical testing. Allele origin: germline.
Comment: This sequence change creates a premature translational stop signal (p.Ser1817*) in the VPS13A gene. It is expected to result in an absent or disrupted protein product. Loss-of-function variants in VPS13A are known to be pathogenic (PMID: 12404112, 21598378). This variant is not present in population databases (gnomAD no frequency). This variant has not been reported in the literature in individuals affected with VPS13A-related conditions. For these reasons, this variant has been classified as Pathogenic.

Literature cited by the submitters: PubMed 12404112; PubMed 21598378.